The following is an entry in ClinVar:

NM_002485.5(NBN):c.489T>A (p.Cys163Ter)

Gene: NBN (nibrin; minus strand). Cytogenetic location: 8q21.3.
Variant type: single nucleotide variant.
Coding change: c.489T>A on transcript NM_002485.5 (MANE Select); coding-DNA position 489, T replaced by A.
Protein change: p.Cys163Ter; replaces cysteine 163 with a stop codon.
Molecular consequence: nonsense.
Genome position (GRCh38, 1-based): chr8:89,978,315, A>T on the plus strand (T>A on the coding strand, the complement: NBN is on the minus strand). VCF-style: chr8-89978315-A-T. GRCh37 (hg19) VCF-style: chr8-90990543-A-T.
Other names: c.243T>A, p.Cys81Ter (NM_001024688.3); short protein forms C81*, C163*.
Identifiers: ClinVar variation 2826841 (VCV002826841.3), dbSNP rs2488344461, ClinGen allele CA371660699.

ClinVar aggregate classification (germline): Pathogenic (1 of 4 stars; one submission).

Conditions:
Microcephaly, normal intelligence and immunodeficiency (NBS). Also called: IMMUNODEFICIENCY, MICROCEPHALY, AND CHROMOSOMAL INSTABILITY; SEEMANOVA SYNDROME II; Immunodeficiency, microcephaly with normal intelligence; Nijmegen breakage syndrome; Microcephaly with normal intelligence immunodeficiency and lymphoreticular malignancies; Nonsyndromal microcephaly autosomal recessive with normal intelligence. Identifiers: Orphanet 647, MedGen C0398791, MONDO:0009623, OMIM 251260.

Submission:

Labcorp Genetics (formerly Invitae), Labcorp
Classification: Pathogenic for Microcephaly, normal intelligence and immunodeficiency. Last evaluated: 2023-12-11. Review status: criteria provided, single submitter. Criteria: Invitae Variant Classification Sherloc (09022015). Collection method: clinical testing. Allele origin: germline.
Comment: This sequence change creates a premature translational stop signal (p.Cys163*) in the NBN gene. It is expected to result in an absent or disrupted protein product. Loss-of-function variants in NBN are known to be pathogenic (PMID: 9590180, 16415040). This variant is not present in population databases (gnomAD no frequency). This variant has not been reported in the literature in individuals affected with NBN-related conditions. For these reasons, this variant has been classified as Pathogenic.

Literature cited by the submitters: PubMed 9590180; PubMed 16415040.